The following is an entry in ClinVar:

ClinVar aggregate classification (germline): Uncertain significance (1 of 4 stars; one submission).

Submission:

GeneDx
Classification: Uncertain significance. Last evaluated: 2025-09-04. Review status: criteria provided, single submitter. Criteria: GeneDx Variant Classification Process June 2021. Collection method: clinical testing. Allele origin: germline. Affected: yes.
Comment: Not observed at significant frequency in large population cohorts (gnomAD); In silico analysis supports a deleterious effect on splicing; Has not been previously published as pathogenic or benign to our knowledge

NM_018077.3(RBM28):c.1788+3A>C

Gene: RBM28 (RNA binding motif protein 28; minus strand). Cytogenetic location: 7q32.1.
Variant type: single nucleotide variant.
Coding change: c.1788+3A>C on transcript NM_018077.3 (MANE Select); 3 bases into the intron after coding-DNA position 1788, A replaced by C.
Molecular consequence: intron variant.
Genome position (GRCh38, 1-based): chr7:128,317,656, T>G on the plus strand (A>C on the coding strand, the complement: RBM28 is on the minus strand). VCF-style: chr7-128317656-T-G. GRCh37 (hg19) VCF-style: chr7-127957709-T-G.
Other names: c.1365+3A>C (NM_001166135.2).
Identifiers: ClinVar variation 4813251 (VCV004813251.1).